The following is an entry in ClinVar:

ClinVar aggregate classification (germline): Pathogenic (1 of 4 stars; one submission).

Conditions:
Hereditary hemorrhagic telangiectasia (HHT). Also called: ORW DISEASE; Osler Weber Rendu syndrome; OSLER-RENDU-WEBER DISEASE; Osler hemorrhagic telangiectasia syndrome. Identifiers: Orphanet 774, MedGen C0039445, MONDO:0019180. Disease mechanism: loss of function.

Submission:

Labcorp Genetics (formerly Invitae), Labcorp
Classification: Pathogenic for Hereditary hemorrhagic telangiectasia. Last evaluated: 2018-11-19. Review status: criteria provided, single submitter. Criteria: Invitae Variant Classification Sherloc (09022015). Collection method: clinical testing. Allele origin: germline.
Comment: This sequence change creates a premature translational stop signal (p.Ile252Alafs*72) in the ENG gene. It is expected to result in an absent or disrupted protein product. This variant is not present in population databases (ExAC no frequency). This variant has not been reported in the literature in individuals with ENG-related disease. Loss-of-function variants in ENG are known to be pathogenic (PMID: 15879500, 20656886, 22385575). For these reasons, this variant has been classified as Pathogenic.

NM_001114753.3(ENG):c.753_781del (p.Ile252fs)

Gene: ENG (endoglin; minus strand). Cytogenetic location: 9q34.11.
Variant type: Deletion.
Coding change: c.753_781del on transcript NM_001114753.3 (MANE Select); coding-DNA positions 753 to 781, 29 bases deleted (CATCCTGCAGGGTCCCCCCTACGTGTCCT).
Protein change: p.Ile252fs; shifts the reading frame from isoleucine 252.
Molecular consequence: frameshift variant.
Genome position (GRCh38, 1-based): chr9:127,825,266-127,825,294, AGGACACGTAGGGGGGACCCTGCAGGATG deleted on the plus strand (CATCCTGCAGGGTCCCCCCTACGTGTCCT on the coding strand, the reverse complement: ENG is on the minus strand); deleting any 29 consecutive bases within chr9:127,825,266-127,825,299 gives the same sequence; the c. name uses the placement nearest the transcript's 3' end. VCF-style (leftmost placement, unchanged base first): chr9-127825265-CAGGACACGTAGGGGGGACCCTGCAGGATG-C. GRCh37 (hg19) VCF-style: chr9-130587544-CAGGACACGTAGGGGGGACCCTGCAGGATG-C.
Other names: c.753_781delCATCCTGCAGGGTCCCCCCTACGTGTCCT (NM_000118.3); c.748_776del29, p.Ile252Alafs (NM_000118.4, NM_001406715.1); c.207_235del, p.Ile70fs (NM_001278138.2); short protein forms I252fs, I70fs.
Identifiers: ClinVar variation 650203 (VCV000650203.3), dbSNP rs1588581867, ClinGen allele CA915947176.
Genomic context (GRCh38, chr9:127,825,265, plus strand): 5'-TGTCCCGGGAGCTGCGCACAACTCACCCAGATCTGCATGTTGTGGTTGGCGTCGATGAGC[CAGGACACGTAGGGGGGACCCTGCAGGATG>C]AGGACGGCATCGAGATCCCCGGGTGCGCAGCTCAGTTCCACCTTCACCGTCACCGTCCGG-3'